The following is an entry in ClinVar:

NM_004958.4(MTOR):c.234A>G (p.Ser78=)

Gene: MTOR (mechanistic target of rapamycin kinase; minus strand). Cytogenetic location: 1p36.22.
Variant type: single nucleotide variant.
Coding change: c.234A>G on transcript NM_004958.4 (MANE Select); coding-DNA position 234, A replaced by G.
Protein change: p.Ser78=; no amino-acid change (serine 78 retained).
Molecular consequence: synonymous variant. On other transcripts: 5 prime UTR variant (1).
Genome position (GRCh38, 1-based): chr1:11,258,522, T>C on the plus strand (A>G on the coding strand, the complement: MTOR is on the minus strand). VCF-style: chr1-11258522-T-C. GRCh37 (hg19) VCF-style: chr1-11318579-T-C.
Other names: c.234A>G, p.Ser78= (NM_001386500.1); c.-906A>G (NM_001386501.1).
Identifiers: ClinVar variation 3051865 (VCV003051865.2), dbSNP rs1270989001, ClinGen allele CA415930654.

ClinVar aggregate classification (germline): Likely benign (0 of 4 stars; one submission).

Conditions:
MTOR-related disorder. Also called: MTOR-related condition.

Submission:

PreventionGenetics, part of Exact Sciences
Classification: Likely benign for MTOR-related condition. Last evaluated: 2022-08-15. Review status: no assertion criteria provided. Collection method: clinical testing. Allele origin: germline.
Comment: This variant is classified as likely benign based on ACMG/AMP sequence variant interpretation guidelines (Richards et al. 2015 PMID: 25741868, with internal and published modifications).